The following is an entry in ClinVar:

ClinVar aggregate classification (germline): Uncertain significance (1 of 4 stars; one submission).

Conditions:
Atrioventricular septal defect 5 (AVSD5). Identifiers: MedGen C3280939, MONDO:0013769, OMIM 614474.

Allele frequency attached by ClinVar (database versions not stated): gnomAD exomes below 0.00001.
gnomAD v4.1: 1 of 1,238,986 alleles (0.000081%); highest among the groups gnomAD compares: African/African-American, 0.0016%; no homozygotes.

Submission:

Labcorp Genetics (formerly Invitae), Labcorp
Classification: Uncertain significance for Atrioventricular septal defect 5. Last evaluated: 2022-03-08. Review status: criteria provided, single submitter. Criteria: Invitae Variant Classification Sherloc (09022015). Collection method: clinical testing. Allele origin: germline.
Comment: In summary, the available evidence is currently insufficient to determine the role of this variant in disease. Therefore, it has been classified as a Variant of Uncertain Significance. Algorithms developed to predict the effect of missense changes on protein structure and function are either unavailable or do not agree on the potential impact of this missense change (SIFT: "Deleterious"; PolyPhen-2: "Benign"; Align-GVGD: "Class C0"). This variant has not been reported in the literature in individuals affected with GATA6-related conditions. This variant is not present in population databases (gnomAD no frequency). This sequence change replaces glycine, which is neutral and non-polar, with aspartic acid, which is acidic and polar, at codon 289 of the GATA6 protein (p.Gly289Asp).

NM_005257.6(GATA6):c.866G>A (p.Gly289Asp)

Gene: GATA6 (GATA binding protein 6; plus strand). Cytogenetic location: 18q11.2.
Variant type: single nucleotide variant.
Coding change: c.866G>A on transcript NM_005257.6 (MANE Select); coding-DNA position 866, G replaced by A.
Protein change: p.Gly289Asp; replaces glycine 289 with aspartic acid.
Molecular consequence: missense variant.
Genome position (GRCh38, 1-based): chr18:22,172,010, G>A. VCF-style: chr18-22172010-G-A. GRCh37 (hg19) VCF-style: chr18-19751971-G-A.
Other names: short protein forms G289D.
Identifiers: ClinVar variation 2180436 (VCV002180436.4), dbSNP rs2033058319, ClinGen allele CA401801172.